The following is an entry in ClinVar:

NM_000550.3(TYRP1):c.1195A>G (p.Ile399Val)

Genes: LURAP1L-AS1 (LURAP1L antisense RNA 1; minus strand), TYRP1 (tyrosinase related protein 1; plus strand). Cytogenetic location: 9p23.
Variant type: single nucleotide variant.
Coding change: c.1195A>G on transcript NM_000550.3 (MANE Select); coding-DNA position 1195, A replaced by G.
Protein change: p.Ile399Val; replaces isoleucine 399 with valine.
Molecular consequence: missense variant.
Genome position (GRCh38, 1-based): chr9:12,704,639, A>G. VCF-style: chr9-12704639-A-G. GRCh37 (hg19) VCF-style: chr9-12704639-A-G.
Other names: short protein forms I399V.
Identifiers: ClinVar variation 1347307 (VCV001347307.5), dbSNP rs753794591, ClinGen allele CA4985473.

ClinVar aggregate classification (germline): Uncertain significance (1 of 4 stars; one submission).

Allele frequency attached by ClinVar (database versions not stated): gnomAD exomes below 0.00001 and 0.00001; ExAC 0.00001; TOPMed 0.00001; gnomAD 0.00002.

Submission:

Labcorp Genetics (formerly Invitae), Labcorp
Classification: Uncertain significance. Last evaluated: 2024-07-22. Review status: criteria provided, single submitter. Criteria: Invitae Variant Classification Sherloc (09022015). Collection method: clinical testing. Allele origin: germline.
Comment: This sequence change replaces isoleucine, which is neutral and non-polar, with valine, which is neutral and non-polar, at codon 399 of the TYRP1 protein (p.Ile399Val). This variant is present in population databases (rs753794591, gnomAD 0.007%). This variant has not been reported in the literature in individuals affected with TYRP1-related conditions. ClinVar contains an entry for this variant (Variation ID: 1347307). Advanced modeling of protein sequence and biophysical properties (such as structural, functional, and spatial information, amino acid conservation, physicochemical variation, residue mobility, and thermodynamic stability) performed at Invitae indicates that this missense variant is not expected to disrupt TYRP1 protein function with a negative predictive value of 80%. In summary, the available evidence is currently insufficient to determine the role of this variant in disease. Therefore, it has been classified as a Variant of Uncertain Significance.